The following is an entry in ClinVar:

NM_015122.3(FCHO1):c.1486C>T (p.Pro496Ser)

Gene: FCHO1 (FCH and mu domain containing endocytic adaptor 1; plus strand). Cytogenetic location: 19p13.11.
Variant type: single nucleotide variant.
Coding change: c.1486C>T on transcript NM_015122.3 (MANE Select); coding-DNA position 1486, C replaced by T.
Protein change: p.Pro496Ser; replaces proline 496 with serine.
Molecular consequence: missense variant. On other transcripts: non-coding transcript variant (14), intron variant (11).
Genome position (GRCh38, 1-based): chr19:17,778,743, C>T. VCF-style: chr19-17778743-C-T. GRCh37 (hg19) VCF-style: chr19-17889552-C-T.
Other names: c.1486C>T, p.Pro496Ser (NM_001161357.2, NM_001161358.2, NM_001384370.1 and 13 more transcripts); c.1336C>T, p.Pro446Ser (NM_001161359.2, NM_001384384.1, NM_001384385.1 and 1 more transcripts); c.1447C>T, p.Pro483Ser (NM_001384388.1, NM_001384389.1, NM_001384405.1); c.1411C>T, p.Pro471Ser (NM_001384390.1); c.1369C>T, p.Pro457Ser (NM_001384392.1, NM_001384393.1, NM_001384394.1 and 1 more transcripts); c.1351+515C>T (NM_001384396.1, NM_001384404.1, NM_001384398.1 and 5 more transcripts); c.1201+515C>T (NM_001384406.1); c.1057+2472C>T (NM_001384407.1); and 2 more; short protein forms P446S, P483S, P457S, P496S, P471S.
Identifiers: ClinVar variation 1915913 (VCV001915913.5), dbSNP rs944828247, ClinGen allele CA306117100.
Genomic context (GRCh38, chr19:17,778,743, plus strand): 5'-GGCCTGGACTCTCCGTCCCACGCGGCACCTGGCCCCTCCCCAGATTCCTGGGTCCCCCGC[C>T]CAGGCACCCCGCAGAGCCCGCCCAGCTGTAGGGCGCCACCCCCAGAGGCCAGGGGTATCC-3'
Protein context (NP_055937.1, residues 486-506): GPSPDSWVPR[Pro496Ser]GTPQSPPSCR

ClinVar aggregate classification (germline): Uncertain significance. Review status: criteria provided, multiple submitters, no conflicts (2 of 4 stars). 2 submissions from 2 submitters: Uncertain significance (2). Last evaluated 2025-01-25.

Allele frequency attached by ClinVar (database versions not stated): gnomAD 0.00002; TOPMed 0.00002; gnomAD exomes 0.00003.
gnomAD v4.1: 47 of 1,539,886 alleles (0.0031%); highest among the groups gnomAD compares: Non-Finnish European, 0.0039%; no homozygotes.

Submissions (2):

Ambry Genetics
Classification: Uncertain significance. Last evaluated: 2025-01-25. Review status: criteria provided, single submitter. Criteria: Ambry Variant Classification Scheme 2023. Collection method: clinical testing. Allele origin: germline.

Labcorp Genetics (formerly Invitae), Labcorp
Classification: Uncertain significance. Last evaluated: 2024-08-13. Review status: criteria provided, single submitter. Criteria: Invitae Variant Classification Sherloc (09022015). Collection method: clinical testing. Allele origin: germline.
Comment: This sequence change replaces proline, which is neutral and non-polar, with serine, which is neutral and polar, at codon 496 of the FCHO1 protein (p.Pro496Ser). This variant is not present in population databases (gnomAD no frequency). This variant has not been reported in the literature in individuals affected with FCHO1-related conditions. ClinVar contains an entry for this variant (Variation ID: 1915913). An algorithm developed to predict the effect of missense changes on protein structure and function (PolyPhen-2) suggests that this variant is likely to be disruptive. In summary, the available evidence is currently insufficient to determine the role of this variant in disease. Therefore, it has been classified as a Variant of Uncertain Significance.